The following is an entry in ClinVar:

ClinVar aggregate classification (germline): Uncertain significance (1 of 4 stars; one submission).

Conditions:
Congenital contractural arachnodactyly (CCA). Also called: BEALS SYNDROME; Beals-Hecht syndrome; Arthrogryposis, distal, type 9. Identifiers: Orphanet 115, MedGen C0220668, MONDO:0007363, OMIM 121050.

Submission:

Labcorp Genetics (formerly Invitae), Labcorp
Classification: Uncertain significance for Congenital contractural arachnodactyly. Last evaluated: 2023-07-18. Review status: criteria provided, single submitter. Criteria: Invitae Variant Classification Sherloc (09022015). Collection method: clinical testing. Allele origin: germline.
Comment: This sequence change replaces threonine, which is neutral and polar, with serine, which is neutral and polar, at codon 836 of the FBN2 protein (p.Thr836Ser). This variant is not present in population databases (gnomAD no frequency). This variant has not been reported in the literature in individuals affected with FBN2-related conditions. Advanced modeling of protein sequence and biophysical properties (such as structural, functional, and spatial information, amino acid conservation, physicochemical variation, residue mobility, and thermodynamic stability) performed at Invitae indicates that this missense variant is not expected to disrupt FBN2 protein function. In summary, the available evidence is currently insufficient to determine the role of this variant in disease. Therefore, it has been classified as a Variant of Uncertain Significance.

NM_001999.4(FBN2):c.2506A>T (p.Thr836Ser)

Gene: FBN2 (fibrillin 2; minus strand). Cytogenetic location: 5q23.3.
Variant type: single nucleotide variant.
Coding change: c.2506A>T on transcript NM_001999.4 (MANE Select); coding-DNA position 2506, A replaced by T.
Protein change: p.Thr836Ser; replaces threonine 836 with serine.
Molecular consequence: missense variant.
Genome position (GRCh38, 1-based): chr5:128,361,771, T>A on the plus strand (A>T on the coding strand, the complement: FBN2 is on the minus strand). VCF-style: chr5-128361771-T-A. GRCh37 (hg19) VCF-style: chr5-127697464-T-A.
Other names: short protein forms T836S.
Identifiers: ClinVar variation 2744761 (VCV002744761.3), dbSNP rs2479338879, ClinGen allele CA360768006.